The following is an entry in ClinVar:

ClinVar aggregate classification (germline): Uncertain significance (1 of 4 stars; one submission).

Conditions:
GBA1-related disorder. Also called: GBA1-related condition.

Submission:

PreventionGenetics, part of Exact Sciences
Classification: Uncertain significance for GBA1-related condition. Last evaluated: 2025-03-21. Review status: criteria provided, single submitter. Criteria: ACMG Guidelines, 2015. Collection method: clinical testing. Allele origin: germline.
Comment: The GBA1 c.11C>G variant is predicted to result in premature protein termination (p.Ser4*). To our knowledge, this variant has not been reported in the literature or in a large population database (gnomAD), indicating this variant is rare. Although early termination changes in GBA1 are a known mechanism of disease, all reported pathogenic early termination changes are located downstream of this change, and also downstream of a possible alternative start codon. At this time, the clinical significance of this variant is uncertain due to the absence of conclusive functional and genetic evidence.

NM_000157.4(GBA1):c.11C>G (p.Ser4Ter)

Gene: GBA1 (glucosylceramidase beta 1; minus strand). Cytogenetic location: 1q22.
Variant type: single nucleotide variant.
Coding change: c.11C>G on transcript NM_000157.4 (MANE Select); coding-DNA position 11, C replaced by G.
Protein change: p.Ser4Ter; replaces serine 4 with a stop codon.
Molecular consequence: nonsense. On other transcripts: intron variant (1).
Genome position (GRCh38, 1-based): chr1:155,241,102, G>C on the plus strand (C>G on the coding strand, the complement: GBA1 is on the minus strand). VCF-style: chr1-155241102-G-C. GRCh37 (hg19) VCF-style: chr1-155210893-G-C.
Other names: c.11C>G, p.Ser4Ter (NM_001005741.3, NM_001005742.3, NM_001171812.2); c.-146-1025C>G (NM_001171811.2); short protein forms S4*.
Identifiers: ClinVar variation 5002278 (VCV005002278.1).